The following is an entry in ClinVar:

NM_000168.6(GLI3):c.2587C>T (p.Arg863Cys)

Gene: GLI3 (GLI family zinc finger 3; minus strand). Cytogenetic location: 7p14.1.
Variant type: single nucleotide variant.
Coding change: c.2587C>T on transcript NM_000168.6 (MANE Select); coding-DNA position 2587, C replaced by T.
Protein change: p.Arg863Cys; replaces arginine 863 with cysteine.
Molecular consequence: missense variant.
Genome position (GRCh38, 1-based): chr7:41,966,486, G>A on the plus strand (C>T on the coding strand, the complement: GLI3 is on the minus strand). VCF-style: chr7-41966486-G-A. GRCh37 (hg19) VCF-style: chr7-42006084-G-A.
Other names: short protein forms R863C.
Identifiers: ClinVar variation 2502000 (VCV002502000.3), dbSNP rs1328292775, ClinGen allele CA367320767.

ClinVar aggregate classification (germline): Conflicting classifications of pathogenicity. Review status: criteria provided, conflicting classifications (1 of 4 stars). 2 submissions from 2 submitters: Uncertain significance (1); Likely benign (1). Last evaluated 2024-02-16.

Conditions:
Pallister-Hall syndrome (PHS). Also called: HYPOTHALAMIC HAMARTOBLASTOMA, HYPOPITUITARISM, IMPERFORATE ANUS, AND POSTAXIAL POLYDACTYLY; GLI3-Related Pallister-Hall Syndrome. Identifiers: Orphanet 672, MedGen C0265220, MONDO:0007804, OMIM 146510.
Greig cephalopolysyndactyly syndrome (GCPS). Also called: GLI3-Related Greig Cephalopolysyndactyly Syndrome; POLYSYNDACTYLY WITH PECULIAR SKULL SHAPE; Greig syndrome. Identifiers: Orphanet 380, MedGen C0265306, MONDO:0008287, OMIM 175700.

Allele frequency attached by ClinVar (database versions not stated): gnomAD 0.00002.
gnomAD v4.1: 11 of 1,612,838 alleles (0.00068%); highest among the groups gnomAD compares: East Asian, 0.0067%; no homozygotes.

Submissions (2):

Labcorp Genetics (formerly Invitae), Labcorp
Classification: Likely benign for Pallister-Hall syndrome; Greig cephalopolysyndactyly syndrome. Last evaluated: 2024-02-16. Review status: criteria provided, single submitter. Criteria: Invitae Variant Classification Sherloc (09022015). Collection method: clinical testing. Allele origin: germline.

GeneDx
Classification: Uncertain significance. Last evaluated: 2022-11-09. Review status: criteria provided, single submitter. Criteria: GeneDx Variant Classification Process June 2021. Collection method: clinical testing. Allele origin: germline. Affected: yes.
Comment: Reported in a fetus with hypoplastic left heart syndrome in published literature (Lu et al., 2022); In silico analysis supports that this missense variant has a deleterious effect on protein structure/function; This variant is associated with the following publications: (PMID: 34983622)